The following is an entry in ClinVar:

ClinVar aggregate classification (germline): Uncertain significance (1 of 4 stars; one submission).

Submission:

Ambry Genetics
Classification: Uncertain significance. Last evaluated: 2024-07-18. Review status: criteria provided, single submitter. Criteria: Ambry Variant Classification Scheme 2023. Collection method: clinical testing. Allele origin: germline.
Comment: The p.P1739S variant (also known as c.5215C>T), located in coding exon 16 of the POLQ gene, results from a C to T substitution at nucleotide position 5215. The proline at codon 1739 is replaced by serine, an amino acid with similar properties. This amino acid position is conserved. In addition, this alteration is predicted to be tolerated by in silico analysis. Based on the available evidence, the clinical significance of this variant remains unclear.

NM_199420.4(POLQ):c.5215C>T (p.Pro1739Ser)

Gene: POLQ (DNA polymerase theta; minus strand). Cytogenetic location: 3q13.33.
Variant type: single nucleotide variant.
Coding change: c.5215C>T on transcript NM_199420.4 (MANE Select); coding-DNA position 5215, C replaced by T.
Protein change: p.Pro1739Ser; replaces proline 1739 with serine.
Molecular consequence: missense variant.
Genome position (GRCh38, 1-based): chr3:121,487,716, G>A on the plus strand (C>T on the coding strand, the complement: POLQ is on the minus strand). VCF-style: chr3-121487716-G-A. GRCh37 (hg19) VCF-style: chr3-121206563-G-A.
Other names: short protein forms P1739S.
Identifiers: ClinVar variation 3422463 (VCV003422463.1).
Genomic context (GRCh38, chr3:121,487,716, plus strand): 5'-GGTTTACAGGTGTTTCAAGAATCCCTGGAAATGTCAGCTTAGAAGCAGATGTTGGAATGG[G>A]TGTAGGAGGAATGAGACCATTATCATCAACTATATTACTTTCTTTACGAGGTAAGAGGGA-3'
Protein context (NP_955452.3, residues 1729-1749): VDDNGLIPPT[Pro1739Ser]IPTSASKLTF